The following is an entry in ClinVar:

NM_001349253.2(SCN11A):c.1843-2A>G

Gene: SCN11A (sodium voltage-gated channel alpha subunit 11; minus strand). Cytogenetic location: 3p22.2.
Variant type: single nucleotide variant.
Coding change: c.1843-2A>G on transcript NM_001349253.2 (MANE Select); the canonical splice acceptor site of the intron before coding-DNA position 1843, A replaced by G.
Molecular consequence: splice acceptor variant.
Genome position (GRCh38, 1-based): chr3:38,900,075, T>C on the plus strand (A>G on the coding strand, the complement: SCN11A is on the minus strand). VCF-style: chr3-38900075-T-C. GRCh37 (hg19) VCF-style: chr3-38941566-T-C.
Other names: c.1843-2A>G (NM_014139.3).
Identifiers: ClinVar variation 3755866 (VCV003755866.2).

ClinVar aggregate classification (germline): Uncertain significance (1 of 4 stars; one submission).

Conditions:
Hereditary sensory and autonomic neuropathy type 7. Also called: Neuropathy, hereditary sensory and autonomic, type VII; HSAN VII. Identifiers: Orphanet 391397, MedGen C3809882, MONDO:0014244, OMIM 615548.
Familial episodic pain syndrome with predominantly lower limb involvement. Also called: Episodic pain syndrome, familial, 3. Identifiers: Orphanet 391384, Orphanet 391392, MedGen C3809899, MONDO:0014247, OMIM 615552.

Submission:

Labcorp Genetics (formerly Invitae), Labcorp
Classification: Uncertain significance for Familial episodic pain syndrome with predominantly lower limb involvement; Hereditary sensory and autonomic neuropathy type 7. Last evaluated: 2024-04-15. Review status: criteria provided, single submitter. Criteria: Invitae Variant Classification Sherloc (09022015). Collection method: clinical testing. Allele origin: germline.
Comment: This sequence change affects an acceptor splice site in intron 12 of the SCN11A gene. It is expected to disrupt RNA splicing. Variants that disrupt the donor or acceptor splice site typically lead to a loss of protein function (PMID: 16199547), however the current clinical and genetic evidence is not sufficient to establish whether loss-of-function variants in SCN11A cause disease. This variant is not present in population databases (gnomAD no frequency). This variant has not been reported in the literature in individuals affected with SCN11A-related conditions. Algorithms developed to predict the effect of sequence changes on RNA splicing suggest that this variant may disrupt the consensus splice site. In summary, the available evidence is currently insufficient to determine the role of this variant in disease. Therefore, it has been classified as a Variant of Uncertain Significance.

Literature cited by the submitters: PubMed 16199547.